The following is an entry in ClinVar:

ClinVar aggregate classification (germline): Uncertain significance (1 of 4 stars; one submission).

Allele frequency attached by ClinVar (database versions not stated): gnomAD 0.00001.

Submission:

Labcorp Genetics (formerly Invitae), Labcorp
Classification: Uncertain significance. Last evaluated: 2022-07-11. Review status: criteria provided, single submitter. Criteria: Invitae Variant Classification Sherloc (09022015). Collection method: clinical testing. Allele origin: germline.
Comment: In summary, the available evidence is currently insufficient to determine the role of this variant in disease. Therefore, it has been classified as a Variant of Uncertain Significance. Advanced modeling of protein sequence and biophysical properties (such as structural, functional, and spatial information, amino acid conservation, physicochemical variation, residue mobility, and thermodynamic stability) performed at Invitae indicates that this missense variant is not expected to disrupt CACNA1B protein function. This variant has not been reported in the literature in individuals affected with CACNA1B-related conditions. This variant is not present in population databases (gnomAD no frequency). This sequence change replaces proline, which is neutral and non-polar, with leucine, which is neutral and non-polar, at codon 1781 of the CACNA1B protein (p.Pro1781Leu).

NM_000718.4(CACNA1B):c.5342C>T (p.Pro1781Leu)

Gene: CACNA1B (calcium voltage-gated channel subunit alpha1 B; plus strand). Cytogenetic location: 9q34.3.
Variant type: single nucleotide variant.
Coding change: c.5342C>T on transcript NM_000718.4 (MANE Select); coding-DNA position 5342, C replaced by T.
Protein change: p.Pro1781Leu; replaces proline 1781 with leucine.
Molecular consequence: missense variant.
Genome position (GRCh38, 1-based): chr9:138,105,721, C>T. VCF-style: chr9-138105721-C-T. GRCh37 (hg19) VCF-style: chr9-141000173-C-T.
Other names: c.5342C>T, p.Pro1781Leu (NM_001243812.2); short protein forms P1781L.
Identifiers: ClinVar variation 1988861 (VCV001988861.4), dbSNP rs1961400805, ClinGen allele CA375813928.